The following is an entry in ClinVar:

NM_130837.3(OPA1):c.1149+1G>C

Gene: OPA1 (OPA1 mitochondrial dynamin like GTPase; plus strand). Cytogenetic location: 3q29.
Variant type: single nucleotide variant.
Coding change: c.1149+1G>C on transcript NM_130837.3 (MANE Select); the canonical splice donor site of the intron after coding-DNA position 1149, G replaced by C.
Molecular consequence: splice donor variant.
Genome position (GRCh38, 1-based): chr3:193,638,066, G>C. VCF-style: chr3-193638066-G-C. GRCh37 (hg19) VCF-style: chr3-193355855-G-C.
Other names: c.612+1G>C (NM_001354664.2); c.615+1G>C (NM_001354663.2); c.1038+1G>C (NM_130834.3); c.1095+1G>C (NM_130836.3); c.984+1G>C (NM_015560.3); c.1041+1G>C (NM_130835.3); c.930+1G>C (NM_130832.3); c.987+1G>C (NM_130833.3); and 1 more.
Identifiers: ClinVar variation 4698260 (VCV004698260.1).

ClinVar aggregate classification (germline): Pathogenic (1 of 4 stars; one submission).

Submission:

Labcorp Genetics (formerly Invitae), Labcorp
Classification: Pathogenic. Last evaluated: 2025-06-14. Review status: criteria provided, single submitter. Criteria: Invitae Variant Classification Sherloc (09022015). Collection method: clinical testing. Allele origin: germline.
Comment: This sequence change affects a donor splice site in intron 9 of the OPA1 gene. It is expected to disrupt RNA splicing. Variants that disrupt the donor or acceptor splice site typically lead to a loss of protein function (PMID: 16199547), and loss-of-function variants in OPA1 are known to be pathogenic (PMID: 11440988, 20157015, 20952381, 25012220). This variant is not present in population databases (gnomAD no frequency). Disruption of this splice site has been observed in individuals with autosomal dominant optical atrophy (PMID: 22857269, 31500643, 33884488). This variant is also known as c.1149+1G>C . Algorithms developed to predict the effect of sequence changes on RNA splicing suggest that this variant may disrupt the consensus splice site. For these reasons, this variant has been classified as Pathogenic.

Literature cited by the submitters: PubMed 16199547; PubMed 11440988; PubMed 20157015; PubMed 20952381; PubMed 25012220; PubMed 22857269; PubMed 31500643; PubMed 33884488.